The following is an entry in ClinVar:

ClinVar aggregate classification (germline): Likely benign. Review status: criteria provided, multiple submitters, no conflicts (2 of 4 stars). 3 submissions from 3 submitters: Likely benign (3). Last evaluated 2025-04-20.

Conditions:
RYR1-related disorder. Also called: RYR1-related condition; RYR1-related disorders. Identifiers: MedGen CN239331.
Malignant hyperthermia, susceptibility to, 1 (MHS1). Also called: Anesthesia related hyperthermia; Malignant hyperpyrexia; Fulminating hyperpyrexia; Pharmacogenic myopathy; Malignant hyperthermia suceptibility 1; RYR1-Related Malignant Hyperthermia Susceptibility. Identifiers: Orphanet 423, MedGen C2930980, MONDO:0007783, OMIM 145600.

Allele frequency attached by ClinVar (database versions not stated): gnomAD exomes 0.00001; ExAC 0.00002; gnomAD 0.00002; TOPMed 0.00004; ESP Exome Variant Server 0.00008.
gnomAD v4.1: 8 of 1,614,016 alleles (0.0005%); highest among the groups gnomAD compares: African/African-American, 0.0013%; no homozygotes.

Submissions (3):

Labcorp Genetics (formerly Invitae), Labcorp
Classification: Likely benign for RYR1-related disorder. Last evaluated: 2025-04-20. Review status: criteria provided, single submitter. Criteria: Invitae Variant Classification Sherloc (09022015). Collection method: clinical testing. Allele origin: germline.

All of Us Research Program, National Institutes of Health
Classification: Likely benign for Malignant hyperthermia, susceptibility to, 1. Last evaluated: 2024-02-05. Review status: criteria provided, single submitter. Criteria: ACMG Guidelines, 2015. Collection method: clinical testing. Allele origin: germline. Inheritance: Autosomal dominant inheritance. Observed: 3 variant alleles, 3 heterozygotes.
Comment: This study involves interpretation of variants in research participants for the purpose of population health screening. Participant phenotype was not available at the time of variant classification. Additional details can be found in publication PMID: 35346344, PMCID: PMC8962531

Color Diagnostics, LLC DBA Color Health
Classification: Likely benign for Malignant hyperthermia, susceptibility to, 1. Last evaluated: 2022-11-06. Review status: criteria provided, single submitter. Criteria: ACMG Guidelines, 2015. Collection method: clinical testing. Allele origin: germline.

NM_000540.3(RYR1):c.4560C>T (p.Asp1520=)

Gene: RYR1 (ryanodine receptor 1; plus strand). Cytogenetic location: 19q13.2.
Variant type: single nucleotide variant.
Coding change: c.4560C>T on transcript NM_000540.3 (MANE Select); coding-DNA position 4560, C replaced by T.
Protein change: p.Asp1520=; no amino-acid change (aspartic acid 1520 retained).
Molecular consequence: synonymous variant.
Genome position (GRCh38, 1-based): chr19:38,478,540, C>T. VCF-style: chr19-38478540-C-T. GRCh37 (hg19) VCF-style: chr19-38969180-C-T.
Other names: c.4560C>T, p.Asp1520= (NM_001042723.2).
Identifiers: ClinVar variation 1615930 (VCV001615930.9), dbSNP rs376023128, ClinGen allele CA066206.